The following is an entry in ClinVar:

NM_025103.4(IFT74):c.123G>T (p.Met41Ile)

Gene: IFT74 (intraflagellar transport 74; plus strand). Cytogenetic location: 9p21.2.
Variant type: single nucleotide variant.
Coding change: c.123G>T on transcript NM_025103.4 (MANE Select); coding-DNA position 123, G replaced by T.
Protein change: p.Met41Ile; replaces methionine 41 with isoleucine.
Molecular consequence: missense variant.
Genome position (GRCh38, 1-based): chr9:26,978,130, G>T. VCF-style: chr9-26978130-G-T. GRCh37 (hg19) VCF-style: chr9-26978128-G-T.
Other names: c.123G>T, p.Met41Ile (NM_001099222.3, NM_001099223.3, NM_001099224.3 and 1 more transcripts); short protein forms M41I.
Identifiers: ClinVar variation 2151203 (VCV002151203.1), dbSNP rs751947818, ClinGen allele CA5014826.

ClinVar aggregate classification (germline): Uncertain significance (1 of 4 stars; one submission).

Allele frequency attached by ClinVar (database versions not stated): gnomAD exomes 0.00001; ExAC 0.00003.
gnomAD v4.1: 19 of 1,570,634 alleles (0.0012%); highest among the groups gnomAD compares: South Asian, 0.019%; no homozygotes.

Submission:

Labcorp Genetics (formerly Invitae), Labcorp
Classification: Uncertain significance. Last evaluated: 2022-06-23. Review status: criteria provided, single submitter. Criteria: Invitae Variant Classification Sherloc (09022015). Collection method: clinical testing. Allele origin: germline.
Comment: This sequence change replaces methionine, which is neutral and non-polar, with isoleucine, which is neutral and non-polar, at codon 41 of the IFT74 protein (p.Met41Ile). This variant is present in population databases (rs751947818, gnomAD 0.03%). This variant has not been reported in the literature in individuals affected with IFT74-related conditions. Algorithms developed to predict the effect of missense changes on protein structure and function output the following: SIFT: "Tolerated"; PolyPhen-2: "Benign"; Align-GVGD: "Class C0". The isoleucine amino acid residue is found in multiple mammalian species, which suggests that this missense change does not adversely affect protein function. In summary, the available evidence is currently insufficient to determine the role of this variant in disease. Therefore, it has been classified as a Variant of Uncertain Significance.